The following is an entry in ClinVar:

ClinVar aggregate classification (germline): Uncertain significance (1 of 4 stars; one submission).

Allele frequency attached by ClinVar (database versions not stated): gnomAD exomes below 0.00001.
gnomAD v4.1: 2 of 1,596,982 alleles (0.00013%); highest among the groups gnomAD compares: African/African-American, 0.0027%; no homozygotes.

Submission:

Women's Health and Genetics/Laboratory Corporation of America, LabCorp
Classification: Uncertain significance. Last evaluated: 2022-03-31. Review status: criteria provided, single submitter. Criteria: LabCorp Variant Classification Summary - May 2015. Collection method: clinical testing. Allele origin: germline.
Comment: Variant summary: COL11A1 c.1792-17T>C alters a non-conserved nucleotide located close to a canonical splice site and therefore could affect mRNA splicing, leading to a significantly altered protein sequence. 4/4 computational tools predict no significant impact on normal splicing. However, these predictions have yet to be confirmed by functional studies. The variant was absent in 161940 control chromosomes. The available data on variant occurrences in the general population are insufficient to allow any conclusion about variant significance. To our knowledge, no occurrence of c.1792-17T>C in individuals affected with autosomal dominant Stickler Syndrome/autosomal recessive Fibrochondrogenesis/other COL11A1-related disorders and no experimental evidence demonstrating its impact on protein function have been reported. Furthermore, the ClinGen consortium has cited this gene as having little evidence for Haploinsufficiency. No clinical diagnostic laboratories have submitted clinical-significance assessments for this variant to ClinVar after 2014. Based on the evidence outlined above, the variant was classified as uncertain significance.

NM_001854.4(COL11A1):c.1792-17T>C

Gene: COL11A1 (collagen type XI alpha 1 chain; minus strand). Cytogenetic location: 1p21.1.
Variant type: single nucleotide variant.
Coding change: c.1792-17T>C on transcript NM_001854.4 (MANE Select); 17 bases into the intron before coding-DNA position 1792, T replaced by C.
Molecular consequence: intron variant.
Genome position (GRCh38, 1-based): chr1:103,005,908, A>G on the plus strand (T>C on the coding strand, the complement: COL11A1 is on the minus strand). VCF-style: chr1-103005908-A-G. GRCh37 (hg19) VCF-style: chr1-103471464-A-G.
Other names: c.1675-17T>C (NM_001190709.2); c.1828-17T>C (NM_080629.3); c.1444-17T>C (NM_080630.4).
Identifiers: ClinVar variation 1677228 (VCV001677228.1), dbSNP rs2101851501, ClinGen allele CA2573130898.